The following is an entry in ClinVar:

NM_001080467.3(MYO5B):c.-10G>A

Gene: MYO5B (myosin VB; minus strand). Cytogenetic location: 18q21.1.
Variant type: single nucleotide variant.
Coding change: c.-10G>A on transcript NM_001080467.3 (MANE Select); 10 bases upstream of the start codon, G replaced by A.
Molecular consequence: 5 prime UTR variant.
Genome position (GRCh38, 1-based): chr18:50,194,803, C>T on the plus strand (G>A on the coding strand, the complement: MYO5B is on the minus strand). VCF-style: chr18-50194803-C-T. GRCh37 (hg19) VCF-style: chr18-47721173-C-T.
Identifiers: ClinVar variation 4999203 (VCV004999203.1).

ClinVar aggregate classification (germline): Likely benign (1 of 4 stars; one submission).

Conditions:
MYO5B-related disorder. Also called: MYO5B-related condition.

Submission:

PreventionGenetics, part of Exact Sciences
Classification: Likely benign for MYO5B-related condition. Last evaluated: 2026-05-27. Review status: criteria provided, single submitter. Criteria: ACMG Guidelines, 2015. Collection method: clinical testing. Allele origin: germline.
Comment: This variant is classified as likely benign based on ACMG/AMP sequence variant interpretation guidelines (Richards et al. 2015 PMID: 25741868, with internal and published modifications).